The following is an entry in ClinVar:

NM_152393.4(KLHL40):c.1421+1G>T

Gene: KLHL40 (kelch like family member 40; plus strand). Cytogenetic location: 3p22.1.
Variant type: single nucleotide variant.
Coding change: c.1421+1G>T on transcript NM_152393.4 (MANE Select); the canonical splice donor site of the intron after coding-DNA position 1421, G replaced by T.
Molecular consequence: splice donor variant.
Genome position (GRCh38, 1-based): chr3:42,688,718, G>T. VCF-style: chr3-42688718-G-T. GRCh37 (hg19) VCF-style: chr3-42730210-G-T.
Identifiers: ClinVar variation 571143 (VCV000571143.6), dbSNP rs1186218257, ClinGen allele CA352294023.
Genomic context (GRCh38, chr3:42,688,718, plus strand): 5'-CCACACAGTGCTCTCCCACATGGACCTTGTCTACGTAATTGGCGGCAAAGGCAGTGACAG[G>T]TGAGGCTGGGCCTGGAGTGAGTCTGTGGAGCAGAGGTAGAATCTCCCAGAGGCTGTCAGG-3'

ClinVar aggregate classification (germline): Likely pathogenic (1 of 4 stars; one submission).

Conditions:
Nemaline myopathy 8 (NEM8). Also called: Nemaline myopathy 8, autosomal recessive. Identifiers: Orphanet 171430, MedGen C3809209, MONDO:0014138, OMIM 615348.

Allele frequency attached by ClinVar (database versions not stated): TOPMed below 0.00001; gnomAD 0.00001.
gnomAD v4.1: 1 of 1,611,872 alleles (0.000062%); highest among the groups gnomAD compares: Non-Finnish European, 0.000085%; no homozygotes.

Submission:

Labcorp Genetics (formerly Invitae), Labcorp
Classification: Likely pathogenic for Nemaline myopathy 8. Last evaluated: 2021-04-23. Review status: criteria provided, single submitter. Criteria: Invitae Variant Classification Sherloc (09022015). Collection method: clinical testing. Allele origin: germline.
Comment: In summary, the currently available evidence indicates that the variant is pathogenic, but additional data are needed to prove that conclusively. Therefore, this variant has been classified as Likely Pathogenic. Donor and acceptor splice site variants typically lead to a loss of protein function (PMID: 16199547), and loss-of-function variants in KLHL40 are known to be pathogenic (PMID: 23746549). This variant has not been reported in the literature in individuals with KLHL40-related disease. This variant is not present in population databases (ExAC no frequency). This sequence change affects a donor splice site in intron 3 of the KLHL40 gene. It is expected to disrupt RNA splicing and likely results in an absent or disrupted protein product.

Literature cited by the submitters: PubMed 16199547; PubMed 23746549.